The following is an entry in ClinVar:

NM_004517.4(ILK):c.729-20C>G

Genes: TAF10 (TATA-box binding protein associated factor 10; minus strand), ILK (integrin linked kinase; plus strand). Cytogenetic location: 11p15.4.
Variant type: single nucleotide variant.
Coding change: c.729-20C>G on transcript NM_004517.4 (MANE Select); 20 bases into the intron before coding-DNA position 729, C replaced by G.
Molecular consequence: intron variant. On other transcripts: 3 prime UTR variant (1).
Genome position (GRCh38, 1-based): chr11:6,609,492, C>G. VCF-style: chr11-6609492-C-G. GRCh37 (hg19) VCF-style: chr11-6630723-C-G.
Other names: c.*1430G>C (NM_006284.4); c.729-20C>G (NM_001014795.3, NM_001014794.3); c.546-20C>G (NM_001278441.2); c.327-20C>G (NM_001278442.2).
Identifiers: ClinVar variation 2178650 (VCV002178650.4), dbSNP rs774464359, ClinGen allele CA2524309878.
Genomic context (GRCh38, chr11:6,609,492, plus strand): 5'-GCTGCTAGTTCCAAGGAACCCTGAATAGCACTGAAAGAGATCTTTTGTACTGGGTCTCAA[C>G]CACTCCCTCCCTCTTCTAGGATTTTCTCGCATCCAAATGTGCTCCCAGTGCTAGGTGCCT-3'

ClinVar aggregate classification (germline): Uncertain significance (1 of 4 stars; one submission).

Conditions:
Primary familial hypertrophic cardiomyopathy (HCM). Identifiers: Orphanet 99739, MedGen C0949658, MeSH D024741, MONDO:0024573. Inheritance: Various modes of inheritance.

gnomAD v4.1: 2 of 1,614,134 alleles (0.00012%); highest among the groups gnomAD compares: Non-Finnish European, 0.00017%; no homozygotes.

Submission:

Labcorp Genetics (formerly Invitae), Labcorp
Classification: Uncertain significance for Primary familial hypertrophic cardiomyopathy. Last evaluated: 2022-06-09. Review status: criteria provided, single submitter. Criteria: Invitae Variant Classification Sherloc (09022015). Collection method: clinical testing. Allele origin: germline.
Comment: In summary, the available evidence is currently insufficient to determine the role of this variant in disease. Therefore, it has been classified as a Variant of Uncertain Significance. Algorithms developed to predict the effect of sequence changes on RNA splicing suggest that this variant may create or strengthen a splice site. This variant has not been reported in the literature in individuals affected with ILK-related conditions. This variant is not present in population databases (gnomAD no frequency). This sequence change falls in intron 8 of the ILK gene. It does not directly change the encoded amino acid sequence of the ILK protein.